The following is an entry in ClinVar:

ClinVar aggregate classification (germline): Pathogenic (1 of 4 stars; one submission).

Submission:

Labcorp Genetics (formerly Invitae), Labcorp
Classification: Pathogenic. Last evaluated: 2026-01-19. Review status: criteria provided, single submitter. Criteria: Invitae Variant Classification Sherloc (09022015). Collection method: clinical testing. Allele origin: germline.
Comment: This sequence change creates a premature translational stop signal (p.Gln304*) in the MTFMT gene. It is expected to result in an absent or disrupted protein product. Loss-of-function variants in MTFMT are known to be pathogenic (PMID: 21907147, 24461907). This variant is not present in population databases (gnomAD no frequency). This variant has not been reported in the literature in individuals affected with MTFMT-related conditions. ClinVar contains an entry for this variant (Variation ID: 1968577). For these reasons, this variant has been classified as Pathogenic.

Literature cited by the submitters: PubMed 21907147; PubMed 24461907.

NM_139242.4(MTFMT):c.910C>T (p.Gln304Ter)

Gene: MTFMT (mitochondrial methionyl-tRNA formyltransferase; minus strand). Cytogenetic location: 15q22.31.
Variant type: single nucleotide variant.
Coding change: c.910C>T on transcript NM_139242.4 (MANE Select); coding-DNA position 910, C replaced by T.
Protein change: p.Gln304Ter; replaces glutamine 304 with a stop codon.
Molecular consequence: nonsense.
Genome position (GRCh38, 1-based): chr15:65,004,919, G>A on the plus strand (C>T on the coding strand, the complement: MTFMT is on the minus strand). VCF-style: chr15-65004919-G-A. GRCh37 (hg19) VCF-style: chr15-65297257-G-A.
Other names: short protein forms Q304*.
Identifiers: ClinVar variation 1968577 (VCV001968577.5), dbSNP rs2506148632, ClinGen allele CA392846574.
Genomic context (GRCh38, chr15:65,004,919, plus strand): 5'-AATAAACCAATAGTATTTGTGACTGTTTGTGGTATATTACTGATCCTGGAATAAGAGCCT[G>A]TCCCGTTAATTTTGGATCTGAAGAATGGAAAAAAGAAAAGATATACAAGAGAAAAAAGCA-3'